The following is an entry in ClinVar:

ClinVar aggregate classification (germline): Uncertain significance (1 of 4 stars; one submission).

Allele frequency attached by ClinVar (database versions not stated): gnomAD exomes below 0.00001.
gnomAD v4.1: 1 of 1,307,028 alleles (0.000077%); highest among the groups gnomAD compares: Non-Finnish European, 0.0001%; no homozygotes.

Submission:

Labcorp Genetics (formerly Invitae), Labcorp
Classification: Uncertain significance. Last evaluated: 2021-03-07. Review status: criteria provided, single submitter. Criteria: Invitae Variant Classification Sherloc (09022015). Collection method: clinical testing. Allele origin: germline.
Comment: This variant is not present in population databases (ExAC no frequency). In summary, the available evidence is currently insufficient to determine the role of this variant in disease. Therefore, it has been classified as a Variant of Uncertain Significance. Algorithms developed to predict the effect of sequence changes on RNA splicing suggest that this variant may create or strengthen a splice site, but this prediction has not been confirmed by published transcriptional studies. Algorithms developed to predict the effect of missense changes on protein structure and function are either unavailable or do not agree on the potential impact of this missense change (SIFT: "Tolerated"; PolyPhen-2: "Not Available"; Align-GVGD: "Class C0"). This variant has not been reported in the literature in individuals with ERCC6L2-related conditions. This sequence change replaces aspartic acid with glycine at codon 1184 of the ERCC6L2 protein (p.Asp1184Gly). The aspartic acid residue is weakly conserved and there is a moderate physicochemical difference between aspartic acid and glycine.

NM_020207.7(ERCC6L2):c.3518A>G (p.Asp1173Gly)

Gene: ERCC6L2 (ERCC excision repair 6 like 2; plus strand). Cytogenetic location: 9q22.32.
Variant type: single nucleotide variant.
Coding change: c.3518A>G on transcript NM_020207.7 (MANE Select); coding-DNA position 3518, A replaced by G.
Protein change: p.Asp1173Gly; replaces aspartic acid 1173 with glycine.
Molecular consequence: missense variant. On other transcripts: non-coding transcript variant (1).
Genome position (GRCh38, 1-based): chr9:96,004,545, A>G. VCF-style: chr9-96004545-A-G. GRCh37 (hg19) VCF-style: chr9-98766827-A-G.
Other names: c.3518A>G, p.Asp1173Gly (NM_001375291.1, NM_001375292.1); short protein forms D1173G.
Identifiers: ClinVar variation 1348300 (VCV001348300.6), dbSNP rs2133203087, ClinGen allele CA466118088.